The following is an entry in ClinVar:

ClinVar aggregate classification (germline): Pathogenic (1 of 4 stars; one submission).

Submission:

Labcorp Genetics (formerly Invitae), Labcorp
Classification: Pathogenic. Last evaluated: 2021-08-25. Review status: criteria provided, single submitter. Criteria: Invitae Variant Classification Sherloc (09022015). Collection method: clinical testing. Allele origin: germline.
Comment: This sequence change creates a premature translational stop signal (p.Pro1308Leufs*80) in the COL4A4 gene. It is expected to result in an absent or disrupted protein product. Loss-of-function variants in COL4A4 are known to be pathogenic (PMID: 21196518, 24854265, 25307543). For these reasons, this variant has been classified as Pathogenic. This variant has not been reported in the literature in individuals affected with COL4A4-related conditions. The frequency data for this variant in the population databases is considered unreliable, as metrics indicate poor data quality at this position in the ExAC database.

Literature cited by the submitters: PubMed 21196518; PubMed 24854265; PubMed 25307543.

NM_000092.5(COL4A4):c.3923del (p.Pro1308fs)

Gene: COL4A4 (collagen type IV alpha 4 chain; minus strand). Cytogenetic location: 2q36.3.
Variant type: Deletion.
Coding change: c.3923del on transcript NM_000092.5 (MANE Select); coding-DNA position 3923, one base deleted (C; older notation c.3923delC).
Protein change: p.Pro1308fs; shifts the reading frame from proline 1308.
Molecular consequence: frameshift variant.
Genome position (GRCh38, 1-based): chr2:227,030,493, G deleted on the plus strand (C on the coding strand, the reverse complement: COL4A4 is on the minus strand); the first of 3 consecutive G bases (chr2:227,030,493-227,030,495); deleting any one gives the same sequence. VCF-style (leftmost placement, unchanged base first): chr2-227030492-AG-A. GRCh37 (hg19) VCF-style: chr2-227895208-AG-A.
Other names: short protein forms P1308fs.
Identifiers: ClinVar variation 1434098 (VCV001434098.6), dbSNP rs762504207, ClinGen allele CA2144383.